The following is an entry in ClinVar:

NM_016148.5(SHANK1):c.6207G>C (p.Leu2069Phe)

Gene: SHANK1 (SH3 and multiple ankyrin repeat domains 1; minus strand). Cytogenetic location: 19q13.33.
Variant type: single nucleotide variant.
Coding change: c.6207G>C on transcript NM_016148.5 (MANE Select); coding-DNA position 6207, G replaced by C.
Protein change: p.Leu2069Phe; replaces leucine 2069 with phenylalanine.
Molecular consequence: missense variant.
Genome position (GRCh38, 1-based): chr19:50,662,244, C>G on the plus strand (G>C on the coding strand, the complement: SHANK1 is on the minus strand). VCF-style: chr19-50662244-C-G. GRCh37 (hg19) VCF-style: chr19-51165501-C-G.
Other names: c.6207G>C (NM_016148.3); short protein forms L2069F.
Identifiers: ClinVar variation 4164446 (VCV004164446.2).
Genomic context (GRCh38, chr19:50,662,244, plus strand): 5'-CGGCTTGTCCGGGGGCAGCGAGAGCAGGCGGGTCGGTGAGAGGGAGCGCGAGGCCCCTGA[C>G]AAGGCTCCCCCGAGCCCCCCGGATATCCCCGGGTGTGGCGGCACAAAGACTGGGGCGAAG-3'
Protein context (NP_057232.2, residues 2059-2079): PGISGGLGGA[Leu2069Phe]SGASRSLSPT

ClinVar aggregate classification (germline): Uncertain significance. Review status: criteria provided, multiple submitters, no conflicts (2 of 4 stars). 2 submissions from 2 submitters: Uncertain significance (2). Last evaluated 2026-08-26.

Conditions:
SHANK1-related disorder. Also called: SHANK1-related condition.
Inborn genetic diseases. Identifiers: MedGen C0950123, MeSH D030342.

gnomAD v4.1: 12 of 1,610,338 alleles (0.00075%); highest among the groups gnomAD compares: Admixed American, 0.018%; no homozygotes.

Submissions (2):

PreventionGenetics, part of Exact Sciences
Classification: Uncertain significance for SHANK1-related condition. Last evaluated: 2026-08-26. Review status: criteria provided, single submitter. Criteria: ACMG Guidelines, 2015. Collection method: clinical testing. Allele origin: germline.
Comment: The SHANK1 c.6207G>C variant is predicted to result in the amino acid substitution p.Leu2069Phe. To our knowledge, this variant has not been reported in the literature. This variant is reported in 0.015% of alleles in individuals of Latino descent in gnomAD. At this time, the clinical significance of this variant is uncertain due to the absence of conclusive functional and genetic evidence.

Ambry Genetics
Classification: Uncertain significance for Inborn genetic diseases. Last evaluated: 2025-09-04. Review status: criteria provided, single submitter. Criteria: Ambry Variant Classification Scheme 2023. Collection method: clinical testing. Allele origin: germline.